The following is an entry in ClinVar:

NM_001378454.1(ALMS1):c.4450G>A (p.Val1484Ile)

Gene: ALMS1 (ALMS1 centrosome and basal body associated protein; plus strand). Cytogenetic location: 2p13.1.
Variant type: single nucleotide variant.
Coding change: c.4450G>A on transcript NM_001378454.1 (MANE Select); coding-DNA position 4450, G replaced by A.
Protein change: p.Val1484Ile; replaces valine 1484 with isoleucine.
Molecular consequence: missense variant.
Genome position (GRCh38, 1-based): chr2:73,450,977, G>A. VCF-style: chr2-73450977-G-A. GRCh37 (hg19) VCF-style: chr2-73678104-G-A.
Other names: c.4453G>A, p.Val1485Ile (NM_015120.4); short protein forms V1484I, V1485I.
Identifiers: ClinVar variation 861588 (VCV000861588.13), dbSNP rs779113815, ClinGen allele CA1713714.

ClinVar aggregate classification (germline): Uncertain significance. Review status: criteria provided, multiple submitters, no conflicts (2 of 4 stars). 4 submissions from 4 submitters: Uncertain significance (3). 1 of the submissions does not count toward it. Last evaluated 2022-07-22.

Conditions:
Cardiovascular phenotype. Identifiers: MedGen CN230736.
Alstrom syndrome (ALMS). Identifiers: Orphanet 64, MedGen C0268425, MONDO:0008763, OMIM 203800.

Allele frequency attached by ClinVar (database versions not stated): gnomAD 0.00001; gnomAD exomes 0.00001; ExAC 0.00002; TOPMed 0.00002.
gnomAD v4.1: 14 of 1,613,504 alleles (0.00087%); highest among the groups gnomAD compares: South Asian, 0.0044%; no homozygotes.

Submissions (4):

Labcorp Genetics (formerly Invitae), Labcorp
Classification: Uncertain significance for Alstrom syndrome. Last evaluated: 2022-07-22. Review status: criteria provided, single submitter. Criteria: Invitae Variant Classification Sherloc (09022015). Collection method: clinical testing. Allele origin: germline.
Comment: This sequence change replaces valine, which is neutral and non-polar, with isoleucine, which is neutral and non-polar, at codon 1485 of the ALMS1 protein (p.Val1485Ile). This variant is present in population databases (rs779113815, gnomAD 0.01%). This variant has not been reported in the literature in individuals affected with ALMS1-related conditions. ClinVar contains an entry for this variant (Variation ID: 861588). Experimental studies and prediction algorithms are not available or were not evaluated, and the functional significance of this variant is currently unknown. In summary, the available evidence is currently insufficient to determine the role of this variant in disease. Therefore, it has been classified as a Variant of Uncertain Significance.

GeneDx
Classification: Uncertain significance. Last evaluated: 2022-03-29. Review status: criteria provided, single submitter. Criteria: GeneDx Variant Classification Process June 2021. Collection method: clinical testing. Allele origin: germline. Affected: yes.
Comment: Has not been previously published as pathogenic or benign to our knowledge; Not observed at significant frequency in large population cohorts (gnomAD); In silico analysis supports that this missense variant does not alter protein structure/function

Ambry Genetics
Classification: Uncertain significance for Cardiovascular phenotype. Last evaluated: 2020-09-09. Review status: criteria provided, single submitter. Criteria: Ambry Variant Classification Scheme 2023. Collection method: clinical testing. Allele origin: germline.
Comment: The p.V1485I variant (also known as c.4453G>A), located in coding exon 8 of the ALMS1 gene, results from a G to A substitution at nucleotide position 4453. The valine at codon 1485 is replaced by isoleucine, an amino acid with highly similar properties. This amino acid position is poorly conserved in available vertebrate species. In addition, this alteration is predicted to be tolerated by in silico analysis. Since supporting evidence is limited at this time, the clinical significance of this alteration remains unclear.

Natera, Inc.
Classification: Uncertain significance for Alstrom syndrome. Last evaluated: 2021-08-04. Review status: no assertion criteria provided. Collection method: clinical testing. Allele origin: germline. Not counted in ClinVar's aggregate classification.